The following is an entry in ClinVar:

ClinVar aggregate classification (germline): Uncertain significance. Review status: criteria provided, multiple submitters, no conflicts (2 of 4 stars). 3 submissions from 3 submitters: Uncertain significance (3). Last evaluated 2026-06-11.

Conditions:
ALPK3-related disorder. Also called: ALPK3-related condition.
Cardiovascular phenotype. Identifiers: MedGen CN230736.

Allele frequency attached by ClinVar (database versions not stated): ExAC 0.00001; gnomAD exomes 0.00001.
gnomAD v4.1: 11 of 1,614,028 alleles (0.00068%); highest among the groups gnomAD compares: Non-Finnish European, 0.00085%; no homozygotes.

Submissions (3):

PreventionGenetics, part of Exact Sciences
Classification: Uncertain significance for ALPK3-related condition. Last evaluated: 2026-06-11. Review status: criteria provided, single submitter. Criteria: ACMG Guidelines, 2015. Collection method: clinical testing. Allele origin: germline.
Comment: The ALPK3 c.910G>A variant is predicted to result in the amino acid substitution p.Gly304Arg. To our knowledge, this variant has not been reported in the literature. This variant is reported in 0.0018% of alleles in individuals of European (Non-Finnish) descent in gnomAD. At this time, the clinical significance of this variant is uncertain due to the absence of conclusive functional and genetic evidence.

Labcorp Genetics (formerly Invitae), Labcorp
Classification: Uncertain significance. Last evaluated: 2024-12-16. Review status: criteria provided, single submitter. Criteria: Invitae Variant Classification Sherloc (09022015). Collection method: clinical testing. Allele origin: germline.
Comment: This sequence change replaces glycine, which is neutral and non-polar, with arginine, which is basic and polar, at codon 304 of the ALPK3 protein (p.Gly304Arg). This variant also falls at the last nucleotide of exon 3, which is part of the consensus splice site for this exon. This variant is present in population databases (rs775149809, gnomAD 0.002%). This variant has not been reported in the literature in individuals affected with ALPK3-related conditions. ClinVar contains an entry for this variant (Variation ID: 1522490). An algorithm developed to predict the effect of missense changes on protein structure and function (PolyPhen-2) suggests that this variant is likely to be disruptive. Variants that disrupt the consensus splice site are a relatively common cause of aberrant splicing (PMID: 17576681, 9536098). In summary, the available evidence is currently insufficient to determine the role of this variant in disease. Therefore, it has been classified as a Variant of Uncertain Significance.

Ambry Genetics
Classification: Uncertain significance for Cardiovascular phenotype. Last evaluated: 2024-05-15. Review status: criteria provided, single submitter. Criteria: Ambry Variant Classification Scheme 2023. Collection method: clinical testing. Allele origin: germline.
Comment: The p.G304R variant (also known as c.910G>A), located in coding exon 3 of the ALPK3 gene, results from a G to A substitution at nucleotide position 910. The amino acid change results in glycine to arginine at codon 304, an amino acid with dissimilar properties. However, this change occurs in the last base pair of coding exon 3, which makes it likely to have some effect on normal mRNA splicing. This nucleotide position is highly conserved in available vertebrate species. In silico splice site analysis predicts that this alteration will not have any significant effect on splicing. This amino acid position is highly conserved in available vertebrate species. In addition, as a missense substitution this is predicted to be deleterious by in silico analysis. Based on the available evidence, the clinical significance of this variant remains unclear.

Literature cited by the submitters: PubMed 17576681 (cited by Labcorp Genetics (formerly Invitae), Labcorp); PubMed 9536098 (cited by Labcorp Genetics (formerly Invitae), Labcorp).

NM_020778.5(ALPK3):c.304G>A (p.Gly102Arg)

Gene: ALPK3 (alpha kinase 3; plus strand). Cytogenetic location: 15q25.3.
Variant type: single nucleotide variant.
Coding change: c.304G>A on transcript NM_020778.5 (MANE Select); coding-DNA position 304, G replaced by A.
Protein change: p.Gly102Arg; replaces glycine 102 with arginine.
Molecular consequence: missense variant.
Genome position (GRCh38, 1-based): chr15:84,827,605, G>A. VCF-style: chr15-84827605-G-A. GRCh37 (hg19) VCF-style: chr15-85370836-G-A.
Other names: c.910G>A (NM_020778.4); short protein forms G102R.
Identifiers: ClinVar variation 1522490 (VCV001522490.8), dbSNP rs775149809, ClinGen allele CA7708920.
Genomic context (GRCh38, chr15:84,827,605, plus strand): 5'-ACGCTCAAGTCCCGGTCTGTGTCCGAGGACAGCGACGTCAGGTTCACCTGCATCGTCACA[G>A]GTAAGGATGCTGTCTGTATGCTCCATGCCAGGGCCTCTGCACAGAGCAGGGTCCAAGGAG-3'
Protein context (NP_065829.4, residues 92-112): SDVRFTCIVT[Gly102Arg]YPEPEVTWYK